The following is an entry in ClinVar:

NM_000051.4(ATM):c.8546G>A (p.Arg2849Gln)

Genes: ATM (ATM serine/threonine kinase; plus strand), C11orf65 (chromosome 11 open reading frame 65; minus strand). Cytogenetic location: 11q22.3.
Variant type: single nucleotide variant.
Coding change: c.8546G>A on transcript NM_000051.4 (MANE Select); coding-DNA position 8546, G replaced by A.
Protein change: p.Arg2849Gln; replaces arginine 2849 with glutamine.
Molecular consequence: missense variant. On other transcripts: intron variant (2).
Genome position (GRCh38, 1-based): chr11:108,345,870, G>A. VCF-style: chr11-108345870-G-A. GRCh37 (hg19) VCF-style: chr11-108216597-G-A.
Other names: c.8546G>A, p.Arg2849Gln (NM_001351834.2); c.641-36799C>T (NM_001330368.2); c.695-10578C>T (NM_001351110.2); short protein forms R2849Q.
Identifiers: ClinVar variation 142055 (VCV000142055.27), dbSNP rs587782202, ClinGen allele CA167269.

ClinVar aggregate classification (germline): Conflicting classifications of pathogenicity. Review status: criteria provided, conflicting classifications (1 of 4 stars). 8 submissions from 8 submitters: Likely pathogenic (2); Uncertain significance (6). Last evaluated 2026-05-19.

Conditions:
ATM-related cancer predisposition. Also called: ATM-related cancer susceptibility. Identifiers: MedGen CN377759, MONDO:0700270.
Hereditary cancer-predisposing syndrome. Also called: Neoplastic Syndromes, Hereditary; Hereditary Cancer Syndrome; Tumor predisposition; Hereditary neoplastic syndrome. Identifiers: Orphanet 140162, MedGen C0027672, MeSH D009386, MONDO:0015356.
Familial cancer of breast. Also called: BREAST CANCER, FAMILIAL; hereditary breast carcinoma; Hereditary breast cancer. Identifiers: Orphanet 227535, MedGen C0346153, MONDO:0016419, OMIM 114480. Disease mechanism: loss of function.
Ataxia-telangiectasia syndrome (AT). Also called: Ataxia-telangiectasia, complementation group D; AT, COMPLEMENTATION GROUP C; Ataxia-telangiectasia; ATAXIA-TELANGIECTASIA, COMPLEMENTATION GROUP A; ATAXIA-TELANGIECTASIA, FRESNO VARIANT; Ataxia-telangiectasia, complementation group E. Identifiers: Orphanet 100, MedGen C0004135, MONDO:0008840, OMIM 208900.

Allele frequency attached by ClinVar (database versions not stated): gnomAD exomes 0.00002; ExAC 0.00002; TOPMed 0.00001; gnomAD 0.00003.
gnomAD v4.1: 13 of 1,613,824 alleles (0.00081%); highest among the groups gnomAD compares: South Asian, 0.0088%; no homozygotes.

Submissions (8):

Ambry Genetics
Classification: Uncertain significance for Hereditary cancer-predisposing syndrome. Last evaluated: 2026-05-19. Review status: criteria provided, single submitter. Criteria: Ambry Variant Classification Scheme 2023. Collection method: clinical testing. Allele origin: germline.
Comment: The p.R2849Q variant (also known as c.8546G>A), located in coding exon 57 of the ATM gene, results from a G to A substitution at nucleotide position 8546. The arginine at codon 2849 is replaced by glutamine, an amino acid with highly similar properties. In an assay testing ATM function, this variant showed a functionally abnormal result (Lee KS et al. Cell, 2025 Sep;188:5081-5099.e27). This amino acid position is highly conserved in available vertebrate species. In addition, this alteration is predicted to be deleterious by in silico analysis. Based on the available evidence, the clinical significance of this variant remains unclear.

Labcorp Genetics (formerly Invitae), Labcorp
Classification: Likely pathogenic for Ataxia-telangiectasia syndrome. Last evaluated: 2025-08-26. Review status: criteria provided, single submitter. Criteria: Invitae Variant Classification Sherloc (09022015). Collection method: clinical testing. Allele origin: germline.
Comment: This sequence change replaces arginine, which is basic and polar, with glutamine, which is neutral and polar, at codon 2849 of the ATM protein (p.Arg2849Gln). This variant is present in population databases (rs587782202, gnomAD 0.01%). This missense change has been observed in individual(s) with early-onset breast cancer (PMID: 30374176). ClinVar contains an entry for this variant (Variation ID: 142055). Invitae Evidence Modeling of protein sequence and biophysical properties (such as structural, functional, and spatial information, amino acid conservation, physicochemical variation, residue mobility, and thermodynamic stability) indicates that this missense variant is expected to disrupt ATM protein function with a positive predictive value of 95%. This variant disrupts the p.Arg2849 amino acid residue in ATM. Other variant(s) that disrupt this residue have been determined to be pathogenic (PMID: 9887333, 11805335, 23667852). This suggests that this residue is clinically significant, and that variants that disrupt this residue are likely to be disease-causing. In summary, the currently available evidence indicates that the variant is pathogenic, but additional data are needed to prove that conclusively. Therefore, this variant has been classified as Likely Pathogenic.

Institute for Genomic Medicine (IGM) Clinical Laboratory, Nationwide Children's Hospital
Classification: Uncertain significance for ATM-related cancer predisposition. Last evaluated: 2025-04-08. Review status: criteria provided, single submitter. Criteria: ACMG Guidelines, 2015. Collection method: clinical testing. Allele origin: germline.
Comment: A different substitution at this amino acid position has been reported as pathogenic (ACMG/AMP: PM5). This variant is predicted to alter protein function or structure, or disrupt splicing by multiple in silico tools (ACMG/AMP: PP3).

Center for Genomic Medicine, Rigshospitalet, Copenhagen University Hospital
Classification: Uncertain significance. Last evaluated: 2025-03-04. Review status: criteria provided, single submitter. Criteria: ACMG Guidelines, 2015. Collection method: clinical testing. Allele origin: germline.
Comment: Classification criteria: PM2_supporting, PP3_supporting, PM3_moderate

Fulgent Genetics
Classification: Uncertain significance for Familial cancer of breast; Ataxia-telangiectasia syndrome. Last evaluated: 2024-06-11. Review status: criteria provided, single submitter. Criteria: ACMG Guidelines, 2015. Collection method: clinical testing. Allele origin: germline.

KCCC/NGS Laboratory, Kuwait Cancer Control Center
Classification: Likely pathogenic for Familial cancer of breast. Last evaluated: 2024-05-02. Review status: criteria provided, single submitter. Criteria: ACMG Guidelines, 2015. Collection method: clinical testing. Allele origin: germline. Inheritance: Autosomal dominant inheritance. Affected: yes. Observed: 1 heterozygote.
Comment: A likely pathogenic mutations was detected in the ATM gene (c.8546G>A).This sequence change replaces arginine, which is basic and polar, with glutamine, which is neutral and polar, at codon 2849 of the ATM protein (p.Arg2849Gln). This amino acid position is highly conserved (PhyloP=9.85) . This variant has been identified in 6/282490 chromosomes in the general population by the Genome Aggregation Database (gnomAD). This missense change has been observed in individual(s) with early-onset breast cancer (PMID: 30374176, 28779002, 33471991, 30287823, 22529920, 23532176, 36243179). ClinVar contains an entry for this variant (Variation ID: 142055). Computational prediction suggests that this variant may have deleterious impact on protein structure and function . This variant disrupts the p.Arg2849 amino acid residue in ATM. Other variant(s) that disrupt this residue have been determined to be pathogenic (PMID: 9887333, 11805335, 23667852 ). This suggests that this residue is clinically significant, and that variants that disrupt this residue are likely to be disease-causing. In summary, the currently available evidence indicates that the variant is pathogenic, but additional data are needed to prove that conclusively. Therefore, this variant has been classified as Likely Pathogenic.

GeneDx
Classification: Uncertain significance. Last evaluated: 2023-10-02. Review status: criteria provided, single submitter. Criteria: GeneDx Variant Classification Process June 2021. Collection method: clinical testing. Allele origin: germline. Affected: yes.
Comment: Not observed at significant frequency in large population cohorts (gnomAD); In silico analysis supports that this missense variant has a deleterious effect on protein structure/function; Observed in individuals with breast cancer and unaffected controls (Decker et al., 2017; Momozawa et al., 2018; Tsai et al., 2019); This variant is associated with the following publications: (PMID: 28779002, 30374176, 30287823, 22529920, 23532176, 36243179)

Color Diagnostics, LLC DBA Color Health
Classification: Uncertain significance for Hereditary cancer-predisposing syndrome. Last evaluated: 2022-06-14. Review status: criteria provided, single submitter. Criteria: ACMG Guidelines, 2015. Collection method: clinical testing. Allele origin: germline.
Comment: This missense variant replaces arginine with glutamine at codon 2849 of the ATM protein. Computational prediction suggests that this variant may have deleterious impact on protein structure and function (internally defined REVEL score threshold >= 0.7, PMID: 27666373). To our knowledge, functional studies have not been reported for this variant. This variant has been reported in individuals affected with breast cancer (PMID: 28779002, 33471991). This variant was classified as a Variant of Uncertain Significance based on a family study using cosegregation likelihood ratios (PMID: 30374176). This variant has been identified in 6/282490 chromosomes in the general population by the Genome Aggregation Database (gnomAD). The available evidence is insufficient to determine the role of this variant in disease conclusively. Therefore, this variant is classified as a Variant of Uncertain Significance.

Literature cited by the submitters: PubMed 40580951 (cited by Ambry Genetics); PubMed 30374176 (cited by 3 submitters); PubMed 9887333 (cited by Labcorp Genetics (formerly Invitae), Labcorp); PubMed 11805335 (cited by Labcorp Genetics (formerly Invitae), Labcorp); PubMed 23667852 (cited by Labcorp Genetics (formerly Invitae), Labcorp and Center for Genomic Medicine, Rigshospitalet, Copenhagen University Hospital); PubMed 30287823 (cited by Center for Genomic Medicine, Rigshospitalet, Copenhagen University Hospital); PubMed 28779002 (cited by Color Diagnostics, LLC DBA Color Health); PubMed 33471991 (cited by Color Diagnostics, LLC DBA Color Health).